The following is an entry in ClinVar:

ClinVar aggregate classification (germline): Uncertain significance (1 of 4 stars; one submission).

Allele frequency attached by ClinVar (database versions not stated): gnomAD 0.00001; TOPMed 0.00003.
gnomAD v4.1: 4 of 1,614,066 alleles (0.00025%); highest among the groups gnomAD compares: Admixed American, 0.0033%; no homozygotes.

Submission:

GeneDx
Classification: Uncertain significance. Last evaluated: 2022-05-26. Review status: criteria provided, single submitter. Criteria: GeneDx Variant Classification Process June 2021. Collection method: clinical testing. Allele origin: germline. Affected: yes.
Comment: Not observed at significant frequency in large population cohorts (gnomAD); In silico analysis supports that this missense variant has a deleterious effect on protein structure/function; Has not been previously published as pathogenic or benign to our knowledge

NM_007118.4(TRIO):c.2792A>G (p.Asn931Ser)

Gene: TRIO (trio Rho guanine nucleotide exchange factor; plus strand). Cytogenetic location: 5p15.2.
Variant type: single nucleotide variant.
Coding change: c.2792A>G on transcript NM_007118.4 (MANE Select); coding-DNA position 2792, A replaced by G.
Protein change: p.Asn931Ser; replaces asparagine 931 with serine.
Molecular consequence: missense variant. On other transcripts: non-coding transcript variant (1).
Genome position (GRCh38, 1-based): chr5:14,366,897, A>G. VCF-style: chr5-14366897-A-G. GRCh37 (hg19) VCF-style: chr5-14367006-A-G.
Other names: short protein forms N931S.
Identifiers: ClinVar variation 1254131 (VCV001254131.4), dbSNP rs1400510509, ClinGen allele CA359213230.